The following is an entry in ClinVar:

NM_000465.4(BARD1):c.1533G>A (p.Lys511=)

Gene: BARD1 (BRCA1 associated RING domain 1; minus strand). Cytogenetic location: 2q35.
Variant type: single nucleotide variant.
Coding change: c.1533G>A on transcript NM_000465.4 (MANE Select); coding-DNA position 1533, G replaced by A.
Protein change: p.Lys511=; no amino-acid change (lysine 511 retained).
Molecular consequence: synonymous variant. On other transcripts: non-coding transcript variant (3), intron variant (3).
Genome position (GRCh38, 1-based): chr2:214,767,517, C>T on the plus strand (G>A on the coding strand, the complement: BARD1 is on the minus strand). VCF-style: chr2-214767517-C-T. GRCh37 (hg19) VCF-style: chr2-215632241-C-T.
Other names: c.1476G>A, p.Lys492= (NM_001282543.2); c.159-14962G>A (NM_001282548.2); c.216-14962G>A (NM_001282545.2); c.364+24780G>A (NM_001282549.2).
Identifiers: ClinVar variation 221049 (VCV000221049.26), dbSNP rs371785856, ClinGen allele CA350791.
Genomic context (GRCh38, chr2:214,767,517, plus strand): 5'-ATAATTTTTACGTTGAACTACTTACACAGCATTTCTGGAGGCTCCATAGGAAAGTAACAG[C>T]TTGACTATATCCACATGCCCATTCTTGGCTGCATCGTGAAGTGGTGAGTCATTTTGATAC-3'
Protein context (NP_000456.2, residues 501-521): AAKNGHVDIV[Lys511=]LLLSYGASRN

ClinVar aggregate classification (germline): Benign/Likely benign. Review status: criteria provided, multiple submitters, no conflicts (2 of 4 stars). 8 submissions from 8 submitters: Benign (1); Likely benign (6). 1 of the submissions does not count toward it. Last evaluated 2025-12-20.

Conditions:
Hereditary cancer-predisposing syndrome. Also called: Tumor predisposition; Neoplastic Syndromes, Hereditary; Hereditary Cancer Syndrome; Hereditary neoplastic syndrome. Identifiers: Orphanet 140162, MedGen C0027672, MeSH D009386, MONDO:0015356.
Familial cancer of breast. Also called: hereditary breast carcinoma; Hereditary breast cancer; BREAST CANCER, FAMILIAL. Identifiers: Orphanet 227535, MedGen C0346153, MONDO:0016419, OMIM 114480. Disease mechanism: loss of function.
BARD1-related disorder. Also called: BARD1-related condition.
Hereditary breast ovarian cancer syndrome. Also called: BRCA1- and BRCA2-Associated Hereditary Breast and Ovarian Cancer; Hereditary breast and/or ovarian cancer syndrome; Hereditary breast and ovarian cancer; Hereditary breast and ovarian cancer syndrome; Hereditary breast and ovarian cancer syndrome (HBOC); Breast and ovarian cancer. Identifiers: Orphanet 145, MedGen C0677776, MeSH D061325, MONDO:0003582. Disease mechanism: loss of function.

Allele frequency attached by ClinVar (database versions not stated): TOPMed 0.00001; gnomAD 0.00003; ESP Exome Variant Server 0.00008.
gnomAD v4.1: 15 of 1,613,832 alleles (0.00093%); highest among the groups gnomAD compares: Non-Finnish European, 0.0013%; no homozygotes.

Submissions (8):

Labcorp Genetics (formerly Invitae), Labcorp
Classification: Likely benign for Familial cancer of breast. Last evaluated: 2025-12-20. Review status: criteria provided, single submitter. Criteria: Invitae Variant Classification Sherloc (09022015). Collection method: clinical testing. Allele origin: germline.

German Consortium for Hereditary Breast and Ovarian Cancer, University Hospital Cologne
Classification: Likely benign for Hereditary breast ovarian cancer syndrome. Last evaluated: 2025-01-14. Review status: criteria provided, single submitter. Criteria: ACMG Guidelines, 2015. Collection method: curation. Allele origin: germline.
Comment: According to the ACMG SVI adaptation criteria we chose these criteria: BP4 (supporting benign): SpliceAI: no effect on splicing, BP7 (supporting benign): synonymous variant for which splicing prediction algorithms predict no impact to the splice consensus sequence nor the creation of a new splice site AND the nucleotide is not highly conserved .

Myriad Genetics, Inc.
Classification: Benign for Familial cancer of breast. Last evaluated: 2024-07-25. Review status: criteria provided, single submitter. Criteria: Myriad Autosomal Dominant, Autosomal Recessive and X-Linked Classification Criteria (2023). Collection method: clinical testing. Allele origin: unknown.
Comment: This variant is considered benign. This variant is a silent/synonymous amino acid change and it is not expected to impact splicing.

Blueprint Genetics
Classification: Likely benign. Last evaluated: 2022-10-17. Review status: criteria provided, single submitter. Criteria: ACMG Guidelines, 2015. Collection method: clinical testing. Allele origin: germline.

GeneDx
Classification: Likely benign. Last evaluated: 2020-12-18. Review status: criteria provided, single submitter. Criteria: GeneDx Variant Classification Process June 2021. Collection method: clinical testing. Allele origin: germline. Affected: yes.

Color Diagnostics, LLC DBA Color Health
Classification: Likely benign for Hereditary cancer-predisposing syndrome. Last evaluated: 2017-09-07. Review status: criteria provided, single submitter. Criteria: ACMG Guidelines, 2015. Collection method: clinical testing. Allele origin: germline.

Ambry Genetics
Classification: Likely benign for Hereditary cancer-predisposing syndrome. Last evaluated: 2016-01-11. Review status: criteria provided, single submitter. Criteria: Ambry Variant Classification Scheme 2023. Collection method: clinical testing. Allele origin: germline.

PreventionGenetics, part of Exact Sciences
Classification: Likely benign for BARD1-related condition. Last evaluated: 2020-02-28. Review status: no assertion criteria provided. Collection method: clinical testing. Allele origin: germline. Not counted in ClinVar's aggregate classification.
Comment: This variant is classified as likely benign based on ACMG/AMP sequence variant interpretation guidelines (Richards et al. 2015 PMID: 25741868, with internal and published modifications).